The following is an entry in ClinVar:

ClinVar aggregate classification (germline): Pathogenic/Likely pathogenic. Review status: criteria provided, multiple submitters, no conflicts (2 of 4 stars). 4 submissions from 4 submitters: Pathogenic (2); Likely pathogenic (1). 1 of the submissions does not count toward it. Last evaluated 2025-05-28.

Conditions:
Heinz body anemia. Also called: Heinz body hemolytic anemia. Identifiers: Orphanet 178330, MedGen C0700299, MONDO:0007705, OMIM 140700, HP:0005511.
alpha Thalassemia. Also called: Alpha thalassemia spectrum. Identifiers: Orphanet 846, MedGen C0002312, MONDO:0011399, OMIM 604131.
Hemoglobin H disease (HBH). Also called: ALPHA-THALASSEMIA, HEMOGLOBIN H TYPE; HEMOGLOBIN H DISEASE, DELETIONAL; Hemoglobin H (HbH) Disease. Identifiers: Orphanet 93616, MedGen C3161174, MONDO:0013512, OMIM 613978. Disease mechanism: loss of function.
Methemoglobinemia, alpha type. Identifiers: MedGen C4693798, MONDO:0020835, OMIM 617973.
Erythrocytosis, familial, 7. Also called: ERYTHROCYTOSIS 7; ERYTHROCYTOSIS, ALPHA-GLOBIN TYPE; POLYCYTHEMIA, ALPHA-GLOBIN TYPE. Identifiers: MedGen C4693823, MONDO:0054802, OMIM 617981.

Submissions (4):

Natera, Inc.
Classification: Likely pathogenic for Alpha thalassemia. Last evaluated: 2025-05-28. Review status: criteria provided, single submitter. Criteria: Natera Variant Classification Schema (03/2026). Collection method: clinical testing. Allele origin: germline.
Comment: The c.94_95delAG variant in HBA1 is a frameshift variant predicted to shift the reading frame beginning at codon 32 and leads to a stop codon 25 codons downstream. This variant is expected to result in nonsense mediated decay, truncation, or a dysfunctional protein product. This variant is rare in the general population with a frequency below the threshold expected for the associated phenotype(s). Given the available evidence, this variant is classified as Likely Pathogenic.

Quest Diagnostics Nichols Institute San Juan Capistrano
Classification: Pathogenic. Last evaluated: 2025-05-19. Review status: criteria provided, single submitter. Criteria: Quest Diagnostics criteria. Collection method: clinical testing. Allele origin: unknown.
Comment: The HBA1 c.94_95del (p.Arg32Aspfs*25) variant alters the translational reading frame of the HBA1 mRNA and causes the premature termination of HBA1 protein synthesis. This variant has been reported in the published literature in individuals of African-American ancestry and with Hemoglobin H disease (PMID: 2831226 (1988), 22187958 (2012)). This variant has not been reported in large, multi-ethnic general populations (Genome Aggregation Database). Based on the available information, this variant is classified as pathogenic.

Fulgent Genetics
Classification: Pathogenic for Heinz body anemia; alpha Thalassemia; Hemoglobin H disease; Methemoglobinemia, alpha type; Erythrocytosis, familial, 7. Last evaluated: 2022-03-03. Review status: criteria provided, single submitter. Criteria: ACMG Guidelines, 2015. Collection method: clinical testing. Allele origin: unknown.

The ITHANET community portal, The Cyprus Institute of Neurology and Genetics
Classification: Pathogenic for alpha Thalassemia. Last evaluated: 2019-11-25. Review status: no assertion criteria provided. Collection method: curation. Allele origin: germline. Not counted in ClinVar's aggregate classification.

Literature cited by the submitters: PubMed 22187958 (cited by Quest Diagnostics Nichols Institute San Juan Capistrano); PubMed 2831226 (cited by Quest Diagnostics Nichols Institute San Juan Capistrano and The ITHANET community portal, The Cyprus Institute of Neurology and Genetics).

NM_000558.5(HBA1):c.94_95del (p.Arg32fs)

Genes: HBA1 (hemoglobin subunit alpha 1; plus strand), LOC106804613 (hemoglobin subunit alpha 1 recombination region; plus strand). Cytogenetic location: 16p13.3.
Variant type: Microsatellite.
Coding change: c.94_95del on transcript NM_000558.5 (MANE Select); coding-DNA positions 94 to 95, 2 bases deleted (AG; older notation c.94_95delAG).
Protein change: p.Arg32fs; shifts the reading frame from arginine 32.
Molecular consequence: frameshift variant.
Genome position (GRCh38, 1-based): chr16:176,810-176,811, AG deleted; deleting any 2 consecutive bases within chr16:176,807-176,811 gives the same sequence; the c. name uses the placement nearest the transcript's 3' end. VCF-style (leftmost placement, unchanged base first): chr16-176806-GGA-G. GRCh37 (hg19) VCF-style: chr16-226805-GGA-G.
Other names: CD 31 AGG>--G; c.94_95delAG (NM_000558.4); short protein forms R32fs.
Identifiers: ClinVar variation 801167 (VCV000801167.7), dbSNP rs1596573477, ClinGen allele CA915946214.
Genomic context (GRCh38, chr16:176,806, plus strand): 5'-CGTCAAGGCCGCCTGGGGTAAGGTCGGCGCGCACGCTGGCGAGTATGGTGCGGAGGCCCT[GGA>G]GAGGTGAGGCTCCCTCCCCTGCTCCGACCCGGGCTCCTCGCCCGCCCGGACCCACAGGCC-3'